The following is an entry in ClinVar:

ClinVar aggregate classification (germline): Pathogenic/Likely pathogenic. Review status: criteria provided, multiple submitters, no conflicts (2 of 4 stars). 2 submissions from 2 submitters: Pathogenic (1); Likely pathogenic (1). Last evaluated 2026-04-25.

Conditions:
PLOD3-related disorder. Also called: PLOD3-related condition.

Submissions (2):

PreventionGenetics, part of Exact Sciences
Classification: Likely pathogenic for PLOD3-related condition. Last evaluated: 2026-04-25. Review status: criteria provided, single submitter. Criteria: ACMG Guidelines, 2015. Collection method: clinical testing. Allele origin: germline.
Comment: The PLOD3 c.876dupG variant is predicted to result in a frameshift and premature protein termination (p.Gln293Alafs*48). To our knowledge this variant has not been reported in the literature. This variant is reported in 0.025% of alleles in individuals of African descent in gnomAD. Frameshift variants in PLOD3 are expected to be pathogenic. This variant is interpreted as likely pathogenic.

Labcorp Genetics (formerly Invitae), Labcorp
Classification: Pathogenic. Last evaluated: 2024-04-18. Review status: criteria provided, single submitter. Criteria: Invitae Variant Classification Sherloc (09022015). Collection method: clinical testing. Allele origin: germline.
Comment: This sequence change creates a premature translational stop signal (p.Gln293Alafs*48) in the PLOD3 gene. It is expected to result in an absent or disrupted protein product. Loss-of-function variants in PLOD3 are known to be pathogenic (PMID: 30237576). The frequency data for this variant in the population databases is considered unreliable, as metrics indicate poor data quality at this position in the gnomAD database. This variant has not been reported in the literature in individuals affected with PLOD3-related conditions. ClinVar contains an entry for this variant (Variation ID: 1428705). For these reasons, this variant has been classified as Pathogenic.

Literature cited by the submitters: PubMed 30237576 (cited by Labcorp Genetics (formerly Invitae), Labcorp).

NM_001084.5(PLOD3):c.876dup (p.Gln293fs)

Gene: PLOD3 (procollagen-lysine,2-oxoglutarate 5-dioxygenase 3; minus strand). Cytogenetic location: 7q22.1.
Variant type: Duplication.
Coding change: c.876dup on transcript NM_001084.5 (MANE Select); coding-DNA position 876, one base duplicated (G; older notation c.876dupG).
Protein change: p.Gln293fs; shifts the reading frame from glutamine 293.
Molecular consequence: frameshift variant.
Genome position (GRCh38, 1-based): chr7:101,212,845, C duplicated on the plus strand (G on the coding strand, the reverse complement: PLOD3 is on the minus strand); the first of 7 consecutive C bases (chr7:101,212,845-101,212,851); duplicating any one gives the same sequence. VCF-style (leftmost placement, unchanged base first): chr7-101212844-G-GC. GRCh37 (hg19) VCF-style: chr7-100856125-G-GC.
Other names: c.876dupG (NM_001084.4); short protein forms Q293fs.
Identifiers: ClinVar variation 1428705 (VCV001428705.7), dbSNP rs746342377, ClinGen allele CA4407977.